The following is an entry in ClinVar:

ClinVar aggregate classification (germline): Uncertain significance. Review status: criteria provided, multiple submitters, no conflicts (2 of 4 stars). 8 submissions from 8 submitters: Uncertain significance (7). 1 of the submissions does not count toward it. Last evaluated 2026-09-08.

Conditions:
Cardiovascular phenotype. Identifiers: MedGen CN230736.
Fabry disease. Also called: Angiokeratoma corporis diffusum; Fabry's disease; Ceramide trihexosidosis; ALPHA-GALACTOSIDASE A DEFICIENCY; ANDERSON-FABRY DISEASE; CERAMIDE TRIHEXOSIDASE DEFICIENCY. Identifiers: Orphanet 324, MedGen C0002986, MONDO:0010526, OMIM 301500, HP:0001071. Disease mechanism: Fabry disease is due to inactivating mutations in the X-linked GLA gene resulting in deficiency of the enzyme Alpha Galactosidase-A., loss of function.

gnomAD v4.1: 4 of 1,210,645 alleles (0.00033%); highest among the groups gnomAD compares: Non-Finnish European, 0.00034%; no homozygotes.

Submissions (8):

Genomenon, Inc
Classification: Uncertain significance for Fabry disease. Last evaluated: 2026-09-08. Review status: criteria provided, single submitter. Criteria: Genomenon Sequence Variant Interpretation Standards - Updated. Collection method: curation. Allele origin: germline. Affected: no.
Comment: GLA p.Ala29Ser (c.85G>T) is a missense variant that changes the amino acid at codon 29 from Alanine to Serine. This variant has been reported in the published literature (PMID:39468034). It is absent or not present at a significant frequency in gnomAD. In silico models predict that this variant is not damaging. In conclusion, we classify GLA p.Ala29Ser (c.85G>T) as a variant of uncertain significance.

Labcorp Genetics (formerly Invitae), Labcorp
Classification: Uncertain significance for Fabry disease. Last evaluated: 2025-11-27. Review status: criteria provided, single submitter. Criteria: Invitae Variant Classification Sherloc (09022015). Collection method: clinical testing. Allele origin: germline.
Comment: This sequence change replaces alanine, which is neutral and non-polar, with serine, which is neutral and polar, at codon 29 of the GLA protein (p.Ala29Ser). This variant is not present in population databases (gnomAD no frequency). This missense change has been observed in individual(s) with Fabry disease (internal data). ClinVar contains an entry for this variant (Variation ID: 925806). Invitae Evidence Modeling of protein sequence and biophysical properties (such as structural, functional, and spatial information, amino acid conservation, physicochemical variation, residue mobility, and thermodynamic stability) indicates that this missense variant is not expected to disrupt GLA protein function with a negative predictive value of 80%. In summary, the available evidence is currently insufficient to determine the role of this variant in disease. Therefore, it has been classified as a Variant of Uncertain Significance.

Ambry Genetics
Classification: Uncertain significance for Cardiovascular phenotype. Last evaluated: 2024-05-16. Review status: criteria provided, single submitter. Criteria: Ambry Variant Classification Scheme 2023. Collection method: clinical testing. Allele origin: germline.
Comment: The p.A29S variant (also known as c.85G>T), located in coding exon 1 of the GLA gene, results from a G to T substitution at nucleotide position 85. The alanine at codon 29 is replaced by serine, an amino acid with similar properties. This amino acid position is not well conserved in available vertebrate species. In addition, this alteration is predicted to be tolerated by in silico analysis. Based on the available evidence, the clinical significance of this variant remains unclear.

Color Diagnostics, LLC DBA Color Health
Classification: Uncertain significance for Fabry disease. Last evaluated: 2024-03-06. Review status: criteria provided, single submitter. Criteria: ACMG Guidelines, 2015. Collection method: clinical testing. Allele origin: germline.
Comment: This missense variant replaces alanine with serine at codon 29 of the GLA protein. Computational prediction suggests that this variant may not impact protein structure and function (internally defined REVEL score threshold <= 0.5, PMID: 27666373). To our knowledge, functional studies have not been reported for this variant. This variant has not been reported in individuals affected with GLA-related disorders in the literature. This variant has not been identified in the general population by the Genome Aggregation Database (gnomAD). The available evidence is insufficient to determine the role of this variant in disease conclusively. Therefore, this variant is classified as a Variant of Uncertain Significance.

Genome-Nilou Lab
Classification: Uncertain significance for Fabry disease. Last evaluated: 2021-07-15. Review status: criteria provided, single submitter. Criteria: ACMG Guidelines, 2015. Collection method: clinical testing. Allele origin: germline. Affected: no.

Revvity Omics, Revvity
Classification: Uncertain significance. Last evaluated: 2020-12-10. Review status: criteria provided, single submitter. Criteria: ACMG Guidelines, 2015. Collection method: clinical testing. Allele origin: germline.

GeneDx
Classification: Uncertain significance. Last evaluated: 2019-05-20. Review status: criteria provided, single submitter. Criteria: GeneDx Variant Classification Process June 2021. Collection method: clinical testing. Allele origin: germline. Affected: yes.
Comment: Has not been previously published as pathogenic or benign to our knowledge; Not observed in large population cohorts (Lek et al., 2016); In silico analysis, which includes protein predictors and evolutionary conservation, supports that this variant does not alter protein structure/function

Natera, Inc.
Classification: Uncertain significance for Fabry disease. Last evaluated: 2020-08-12. Review status: no assertion criteria provided. Collection method: clinical testing. Allele origin: germline. Not counted in ClinVar's aggregate classification.

Literature cited by the submitters: PubMed 39468034 (cited by Genomenon, Inc).

NM_000169.3(GLA):c.85G>T (p.Ala29Ser)

Genes: RPL36A-HNRNPH2 (RPL36A-HNRNPH2 readthrough; plus strand), GLA (galactosidase alpha; minus strand). Cytogenetic location: Xq22.1.
Variant type: single nucleotide variant.
Coding change: c.85G>T on transcript NM_000169.3 (MANE Select); coding-DNA position 85, G replaced by T.
Protein change: p.Ala29Ser; replaces alanine 29 with serine.
Molecular consequence: missense variant. On other transcripts: non-coding transcript variant (3), intron variant (2).
Genome position (GRCh38, 1-based): chrX:101,407,819, C>A on the plus strand (G>T on the coding strand, the complement: GLA is on the minus strand). VCF-style: chrX-101407819-C-A. GRCh37 (hg19) VCF-style: chrX-100662807-C-A.
Other names: c.85G>T, p.Ala29Ser (NM_001406747.1, NM_001406748.1, NM_001406749.1); c.301-4117C>A (NM_001199973.2); c.178-4117C>A (NM_001199974.2); short protein forms A29S.
Identifiers: ClinVar variation 925806 (VCV000925806.23), dbSNP rs142449183, ClinGen allele CA413937480.
Genomic context (GRCh38, chrX:101,407,819, plus strand): 5'-GCTCCCAGTGCAGCCAGCCCATGGTAGGCGTCCTTGCCAATCCATTGTCCAGTGCTCTAG[C>A]CCCAGGGATGTCCCAGGAAACGAGGGCCAGGAAGCGAAGCGCAAGCGCGCAGCCCAGATG-3'
Protein context (NP_000160.1, residues 19-39): LALVSWDIPG[Ala29Ser]RALDNGLART